The following is an entry in ClinVar:

NM_000726.5(CACNB4):c.537TTC[2] (p.Ser183del)

Gene: CACNB4 (calcium voltage-gated channel auxiliary subunit beta 4; minus strand). Cytogenetic location: 2q23.3.
Variant type: Microsatellite.
Coding change: c.537TTC[2] on transcript NM_000726.5 (MANE Select); two copies in a row of the 3-base unit TTC starting at c.537; the reference has three copies in a row; one copy, 3 bases deleted.
Protein change: p.Ser183del; deletes serine 183.
Molecular consequence: inframe deletion. On other transcripts: inframe indel (2), 5 prime UTR variant (2).
Genome position (GRCh38, 1-based): chr2:151,872,470-151,872,472, GAA deleted on the plus strand (TTC on the coding strand, the reverse complement: CACNB4 is on the minus strand); deleting any 3 consecutive bases within chr2:151,872,470-151,872,478 gives the same sequence; the position shown is the placement nearest the transcript's 3' end. VCF-style (leftmost placement, unchanged base first): chr2-151872469-TGAA-T. GRCh37 (hg19) VCF-style: chr2-152728983-TGAA-T.
Other names: c.537_539TTC[2], p.Ser183del (NM_001145798.3); c.396TTC[2], p.Ser136del (NM_001320722.3, NM_001330116.2); c.483TTC[2], p.Ser165del (NM_001330113.2, NM_001005746.4); c.-22TTC[2] (NM_001330117.2); c.396_398TTC[2], p.Ser136del (NM_001330118.2); c.-98TTC[2] (NM_001330114.2); c.435TTC[2], p.Ser149del (NM_001330115.2, NM_001005747.4); c.543_545delTTC (NM_000726.2); short protein forms S183del, S136del, S165del, S149del.
Identifiers: ClinVar variation 373821 (VCV000373821.11), dbSNP rs1057518634, ClinGen allele CA16042352.
Genomic context (GRCh38, chr2:151,872,469, plus strand): 5'-ACCCTCACCTGTTGATGTGGGAGTTGCTCGGAATGTCCCAGATACCATTTCTCCAAGACT[TGAA>T]GAAGAATTTCCACTTGATTTCCTAGGATATAGAAAAGGAACTAAAGACTCACTCCCCAGA-3'

ClinVar aggregate classification (germline): Uncertain significance. Review status: criteria provided, multiple submitters, no conflicts (2 of 4 stars). 2 submissions from 2 submitters: Uncertain significance (2). Last evaluated 2021-04-19.

Conditions:
Idiopathic generalized epilepsy. Also called: Generalised epilepsy; EIG. Identifiers: MedGen C0270850, MONDO:0005579, OMIM 600669.

Submissions (2):

GeneDx
Classification: Uncertain significance. Last evaluated: 2021-04-19. Review status: criteria provided, single submitter. Criteria: GeneDx Variant Classification Process June 2021. Collection method: clinical testing. Allele origin: germline. Affected: yes.
Comment: Not observed in large population cohorts (Lek et al., 2016); In-frame deletion of one amino acids in a non-repeat region; In silico analysis supports a deleterious effect on protein structure/function; Has not been previously published as pathogenic or benign to our knowledge

Labcorp Genetics (formerly Invitae), Labcorp
Classification: Uncertain significance for Idiopathic generalized epilepsy. Last evaluated: 2018-10-04. Review status: criteria provided, single submitter. Criteria: Invitae Variant Classification Sherloc (09022015). Collection method: clinical testing. Allele origin: germline.
Comment: This variant, c.543_545delTTC, results in the deletion of 1 amino acid(s) of the CACNB4 protein (p.Ser183del), but otherwise preserves the integrity of the reading frame. In summary, the available evidence is currently insufficient to determine the role of this variant in disease. Therefore, it has been classified as a Variant of Uncertain Significance. Experimental studies and prediction algorithms are not available for this variant, and the functional significance of the affected amino acid(s) is currently unknown. This variant has not been reported in the literature in individuals with CACNB4-related disease. ClinVar contains an entry for this variant (Variation ID: 373821). This variant is not present in population databases (ExAC no frequency).